The following is an entry in ClinVar:

ClinVar aggregate classification (germline): Uncertain significance (1 of 4 stars; one submission).

Submission:

GeneDx
Classification: Uncertain significance. Last evaluated: 2024-05-07. Review status: criteria provided, single submitter. Criteria: GeneDx Variant Classification Process June 2021. Collection method: clinical testing. Allele origin: germline. Affected: yes.
Comment: Has not been previously published as pathogenic or benign to our knowledge; Not observed at significant frequency in large population cohorts (gnomAD); In silico analysis indicates that this missense variant does not alter protein structure/function

NM_001020658.2(PUM1):c.526G>T (p.Ala176Ser)

Gene: PUM1 (pumilio RNA binding family member 1; minus strand). Cytogenetic location: 1p35.2.
Variant type: single nucleotide variant.
Coding change: c.526G>T on transcript NM_001020658.2 (MANE Select); coding-DNA position 526, G replaced by T.
Protein change: p.Ala176Ser; replaces alanine 176 with serine.
Molecular consequence: missense variant.
Genome position (GRCh38, 1-based): chr1:31,007,009, C>A on the plus strand (G>T on the coding strand, the complement: PUM1 is on the minus strand). VCF-style: chr1-31007009-C-A. GRCh37 (hg19) VCF-style: chr1-31479856-C-A.
Other names: c.526G>T, p.Ala176Ser (NM_014676.3); short protein forms A176S.
Identifiers: ClinVar variation 3375613 (VCV003375613.1).